The following is an entry in ClinVar:

NM_030973.4(MED25):c.2099del (p.Pro700fs)

Gene: MED25 (mediator complex subunit 25; plus strand). Cytogenetic location: 19q13.33.
Variant type: Deletion.
Coding change: c.2099del on transcript NM_030973.4 (MANE Select); coding-DNA position 2099, one base deleted (C; older notation c.2099delC).
Protein change: p.Pro700fs; shifts the reading frame from proline 700.
Molecular consequence: frameshift variant.
Genome position (GRCh38, 1-based): chr19:49,836,359, C deleted; the last of 2 consecutive C bases (chr19:49,836,358-49,836,359); deleting either gives the same sequence. VCF-style (leftmost placement, unchanged base first): chr19-49836357-AC-A. GRCh37 (hg19) VCF-style: chr19-50339614-AC-A.
Other names: c.2099del, p.Pro700fs (NM_001378355.1); short protein forms P700fs.
Identifiers: ClinVar variation 3613368 (VCV003613368.2).

ClinVar aggregate classification (germline): Uncertain significance (1 of 4 stars; one submission).

Conditions:
Charcot-Marie-Tooth disease type 2. Also called: Charcot-Marie-Tooth type 2. Identifiers: Orphanet 64746, MedGen C0270914, MONDO:0018993.

Submission:

Labcorp Genetics (formerly Invitae), Labcorp
Classification: Uncertain significance for Charcot-Marie-Tooth disease type 2. Last evaluated: 2024-07-07. Review status: criteria provided, single submitter. Criteria: Invitae Variant Classification Sherloc (09022015). Collection method: clinical testing. Allele origin: germline.
Comment: This sequence change creates a premature translational stop signal (p.Pro700Leufs*21) in the MED25 gene. While this is not anticipated to result in nonsense mediated decay, it is expected to disrupt the last 48 amino acid(s) of the MED25 protein. This variant is not present in population databases (gnomAD no frequency). This variant has not been reported in the literature in individuals affected with MED25-related conditions. In summary, the available evidence is currently insufficient to determine the role of this variant in disease. Therefore, it has been classified as a Variant of Uncertain Significance.